The following is an entry in ClinVar:

ClinVar aggregate classification (germline): Pathogenic (1 of 4 stars; one submission).

Submission:

GeneDx
Classification: Pathogenic. Last evaluated: 2016-10-19. Review status: criteria provided, single submitter. Criteria: GeneDx Variant Classification (06012015). Collection method: clinical testing. Allele origin: germline. Affected: yes.
Comment: The E1315X variant in the CEP290 gene has not been reported previously as a pathogenic variant nor as a benign variant, to our knowledge. This variant is predicted to cause loss of normal protein function either through protein truncation or nonsense-mediated mRNA decay. The E1315X variant was not observed in approximately 5,800 individuals of European and African American ancestry in the NHLBI Exome Sequencing Project, indicating it is not a common benign variant in these populations. Based on currently available evidence, we interpret E1315X as a pathogenic variant.

NM_025114.4(CEP290):c.3943G>T (p.Glu1315Ter)

Gene: CEP290 (centrosomal protein 290; minus strand). Cytogenetic location: 12q21.32.
Variant type: single nucleotide variant.
Coding change: c.3943G>T on transcript NM_025114.4 (MANE Select); coding-DNA position 3943, G replaced by T.
Protein change: p.Glu1315Ter; replaces glutamic acid 1315 with a stop codon.
Molecular consequence: nonsense.
Genome position (GRCh38, 1-based): chr12:88,089,118, C>A on the plus strand (G>T on the coding strand, the complement: CEP290 is on the minus strand). VCF-style: chr12-88089118-C-A. GRCh37 (hg19) VCF-style: chr12-88482895-C-A.
Other names: short protein forms E1315*.
Identifiers: ClinVar variation 280901 (VCV000280901.2), dbSNP rs886042020, ClinGen allele CA10603175.